The following is an entry in ClinVar:

ClinVar aggregate classification (germline): Uncertain significance (1 of 4 stars; one submission).

Conditions:
Hereditary cancer-predisposing syndrome. Also called: Neoplastic Syndromes, Hereditary; Tumor predisposition; Hereditary Cancer Syndrome; Hereditary neoplastic syndrome. Identifiers: Orphanet 140162, MedGen C0027672, MeSH D009386, MONDO:0015356.

Allele frequency attached by ClinVar (database versions not stated): gnomAD exomes below 0.00001.
gnomAD v4.1: 1 of 1,613,616 alleles (0.000062%); highest among the groups gnomAD compares: Non-Finnish European, 0.000085%; no homozygotes.

Submission:

Ambry Genetics
Classification: Uncertain significance for Hereditary cancer-predisposing syndrome. Last evaluated: 2021-05-24. Review status: criteria provided, single submitter. Criteria: Ambry Variant Classification Scheme 2023. Collection method: clinical testing. Allele origin: germline.
Comment: The p.T746A variant (also known as c.2236A>G), located in coding exon 20 of the TSC2 gene, results from an A to G substitution at nucleotide position 2236. The threonine at codon 746 is replaced by alanine, an amino acid with similar properties. This amino acid position is well conserved in available vertebrate species. In addition, the in silico prediction for this alteration is inconclusive. Since supporting evidence is limited at this time, the clinical significance of this alteration remains unclear.

NM_000548.5(TSC2):c.2236A>G (p.Thr746Ala)

Gene: TSC2 (TSC complex subunit 2; plus strand). Cytogenetic location: 16p13.3.
Variant type: single nucleotide variant.
Coding change: c.2236A>G on transcript NM_000548.5 (MANE Select); coding-DNA position 2236, A replaced by G.
Protein change: p.Thr746Ala; replaces threonine 746 with alanine.
Molecular consequence: missense variant.
Genome position (GRCh38, 1-based): chr16:2,072,864, A>G. VCF-style: chr16-2072864-A-G. GRCh37 (hg19) VCF-style: chr16-2122865-A-G.
Other names: c.2236A>G, p.Thr746Ala (NM_001077183.3, NM_001114382.3, NM_001363528.2 and 6 more transcripts); c.2125A>G, p.Thr709Ala (NM_001318827.2, NM_001406670.1, NM_001406678.1); c.2089A>G, p.Thr697Ala (NM_001318829.2, NM_001406675.1, NM_001406676.1 and 1 more transcripts); c.1636A>G, p.Thr546Ala (NM_001318831.2, NM_001406680.1, NM_001406682.1 and 6 more transcripts); c.2269A>G, p.Thr757Ala (NM_001318832.2); c.2326A>G, p.Thr776Ala (NM_001406667.1, NM_001406668.1); c.2224A>G, p.Thr742Ala (NM_001406671.1, NM_001406673.1); c.2179A>G, p.Thr727Ala (NM_001406677.1); and 3 more; short protein forms T212A, T546A, T697A, T709A, T757A, T298A, T727A, T746A.
Identifiers: ClinVar variation 1788190 (VCV001788190.2), dbSNP rs2543761693, ClinGen allele CA394276265.